The following is an entry in ClinVar:

ClinVar aggregate classification (germline): Pathogenic (1 of 4 stars; one submission).

Conditions:
Cataract 38. Also called: Cataract, autosomal recessive congenital 5; Cataract 38, autosomal recessive. Identifiers: Orphanet 91492, MedGen C3553494, MONDO:0013859, OMIM 614691.
Sengers syndrome. Also called: MITOCHONDRIAL DNA DEPLETION SYNDROME 10 (CARDIOMYOPATHIC TYPE); Cardiomyopathy and cataract. Identifiers: Orphanet 1369, MedGen C1859317, MONDO:0008922, OMIM 212350.

Submission:

First Genomix Gene Laboratory, Genetic Diagnostics Department
Classification: Pathogenic for Cataract 38; Sengers syndrome. Last evaluated: 2025-04-30. Review status: criteria provided, single submitter. Criteria: ACMG Guidelines, 2015. Collection method: clinical testing. Allele origin: germline. Inheritance: Autosomal recessive inheritance. Affected: no. Observed: 1 variant allele.

NM_018238.4(AGK):c.1046_1046+1dup

Gene: AGK (acylglycerol kinase; plus strand). Cytogenetic location: 7q34.
Variant type: Duplication.
Coding change: c.1046_1046+1dup on transcript NM_018238.4 (MANE Select); coding-DNA position 1046 through the canonical splice donor site of the intron after coding-DNA position 1046, 2 bases duplicated (GG; older notation c.1046_1046+1dupGG).
Molecular consequence: splice donor variant.
Genome position (GRCh38, 1-based): chr7:141,649,333-141,649,334, GG duplicated; duplicating any 2 consecutive bases within chr7:141,649,332-141,649,334 gives the same sequence; the c. name uses the placement nearest the transcript's 3' end. VCF-style (leftmost placement, unchanged base first): chr7-141649331-A-AGG. GRCh37 (hg19) VCF-style: chr7-141349131-A-AGG.
Other names: c.1046_1046+1dup (NM_001364948.3); c.1046_1046+1dupGG (NM_018238.4).
Identifiers: ClinVar variation 4845888 (VCV004845888.1).